The following is an entry in ClinVar:

ClinVar aggregate classification (germline): Uncertain significance (1 of 4 stars; one submission).

Allele frequency attached by ClinVar (database versions not stated): TOPMed 0.00001; ExAC 0.00004.
gnomAD v4.1: 5 of 1,556,436 alleles (0.00032%); highest among the groups gnomAD compares: South Asian, 0.0023%; no homozygotes.

Submission:

Labcorp Genetics (formerly Invitae), Labcorp
Classification: Uncertain significance. Last evaluated: 2022-01-06. Review status: criteria provided, single submitter. Criteria: Invitae Variant Classification Sherloc (09022015). Collection method: clinical testing. Allele origin: germline.
Comment: The frequency data for this variant in the population databases is considered unreliable, as metrics indicate poor data quality at this position in the gnomAD database. This sequence change replaces serine, which is neutral and polar, with leucine, which is neutral and non-polar, at codon 66 of the SDHAF1 protein (p.Ser66Leu). This variant has not been reported in the literature in individuals affected with SDHAF1-related conditions. Algorithms developed to predict the effect of missense changes on protein structure and function are either unavailable or do not agree on the potential impact of this missense change (SIFT: "Deleterious"; PolyPhen-2: "Benign"; Align-GVGD: "Class C15"). In summary, the available evidence is currently insufficient to determine the role of this variant in disease. Therefore, it has been classified as a Variant of Uncertain Significance.

NM_001042631.3(SDHAF1):c.197C>T (p.Ser66Leu)

Genes: SDHAF1 (succinate dehydrogenase complex assembly factor 1; plus strand), LOC130064280 (ATAC-STARR-seq lymphoblastoid silent region 10545; plus strand). Cytogenetic location: 19q13.12.
Variant type: single nucleotide variant.
Coding change: c.197C>T on transcript NM_001042631.3 (MANE Select); coding-DNA position 197, C replaced by T.
Protein change: p.Ser66Leu; replaces serine 66 with leucine.
Molecular consequence: missense variant.
Genome position (GRCh38, 1-based): chr19:35,995,471, C>T. VCF-style: chr19-35995471-C-T. GRCh37 (hg19) VCF-style: chr19-36486373-C-T.
Other names: short protein forms S66L.
Identifiers: ClinVar variation 1924438 (VCV001924438.5), dbSNP rs753758417, ClinGen allele CA9393685.
Genomic context (GRCh38, chr19:35,995,471, plus strand): 5'-ACGTGCTGCGCATCGAGTACCTGTACCGCCGCGGGCGGCGCCAGCTGCAGCTGCTACGCT[C>T]GGGCCACGCCACCGCCATGGGCGCCTTCGTACGCCCGCGGGCCCCGACCGGGGAGCCTGG-3'
Protein context (NP_001036096.2, residues 56-76): RGRRQLQLLR[Ser66Leu]GHATAMGAFV